The following is an entry in ClinVar:

ClinVar aggregate classification (germline): Benign/Likely benign. Review status: criteria provided, multiple submitters, no conflicts (2 of 4 stars). 4 submissions from 4 submitters: Benign (2); Likely benign (2). Last evaluated 2026-06-03.

Conditions:
Gastrointestinal stromal tumor. Also called: Gastrointestinal stromal tumor, somatic; Gastrointestinal stroma tumor. Identifiers: Orphanet 44890, MedGen C0238198, MeSH D046152, MONDO:0011719, OMIM 606764, HP:0100723.
Hereditary cancer-predisposing syndrome. Also called: Tumor predisposition; Hereditary Cancer Syndrome; Hereditary neoplastic syndrome; Neoplastic Syndromes, Hereditary. Identifiers: Orphanet 140162, MedGen C0027672, MeSH D009386, MONDO:0015356.

Allele frequency attached by ClinVar (database versions not stated): TOPMed below 0.00001; gnomAD 0.00005 and 0.00006; gnomAD exomes 0.00006 and 0.00012; ExAC 0.00023.
gnomAD v4.1: 106 of 1,613,898 alleles (0.0066%); highest among the groups gnomAD compares: Non-Finnish European, 0.0012%; no homozygotes.

Submissions (4):

Myriad Genetics, Inc.
Classification: Benign for Gastrointestinal stromal tumor. Last evaluated: 2026-06-03. Review status: criteria provided, single submitter. Criteria: Myriad Autosomal Dominant, Autosomal Recessive and X-Linked Classification Criteria (2023). Collection method: clinical testing. Allele origin: unknown.
Comment: This variant is considered benign. This variant is a silent/synonymous amino acid change and it is not expected to impact splicing.

Labcorp Genetics (formerly Invitae), Labcorp
Classification: Benign for Gastrointestinal stromal tumor. Last evaluated: 2025-12-16. Review status: criteria provided, single submitter. Criteria: Invitae Variant Classification Sherloc (09022015). Collection method: clinical testing. Allele origin: germline.

Blueprint Genetics
Classification: Likely benign. Last evaluated: 2024-03-11. Review status: criteria provided, single submitter. Criteria: ACMG Guidelines, 2015. Collection method: clinical testing. Allele origin: germline.

Ambry Genetics
Classification: Likely benign for Hereditary cancer-predisposing syndrome. Last evaluated: 2022-04-23. Review status: criteria provided, single submitter. Criteria: Ambry Variant Classification Scheme 2023. Collection method: clinical testing. Allele origin: germline.

NM_000222.3(KIT):c.372G>A (p.Leu124=)

Gene: KIT (KIT proto-oncogene, receptor tyrosine kinase; plus strand). Cytogenetic location: 4q12.
Variant type: single nucleotide variant.
Coding change: c.372G>A on transcript NM_000222.3 (MANE Select); coding-DNA position 372, G replaced by A.
Protein change: p.Leu124=; no amino-acid change (leucine 124 retained).
Molecular consequence: synonymous variant.
Genome position (GRCh38, 1-based): chr4:54,698,318, G>A. VCF-style: chr4-54698318-G-A. GRCh37 (hg19) VCF-style: chr4-55564484-G-A.
Other names: c.372G>A, p.Leu124= (NM_001093772.2, NM_001385284.1, NM_001385285.1 and 4 more transcripts).
Identifiers: ClinVar variation 415802 (VCV000415802.16), dbSNP rs775690281, ClinGen allele CA2923232.
Genomic context (GRCh38, chr4:54,698,318, plus strand): 5'-TACTGATTTTGGATATGCTTCTATAGATCCTGCCAAGCTTTTCCTTGTTGACCGCTCCTT[G>A]TATGGGAAAGAAGACAACGACACGCTGGTCCGCTGTCCTCTCACAGACCCAGAAGTGACC-3'
Protein context (NP_000213.1, residues 114-134): PAKLFLVDRS[Leu124=]YGKEDNDTLV